The following is an entry in ClinVar:

ClinVar aggregate classification (germline): Uncertain significance (1 of 4 stars; one submission).

Allele frequency attached by ClinVar (database versions not stated): gnomAD exomes below 0.00001.
gnomAD v4.1: 5 of 1,614,174 alleles (0.00031%); highest among the groups gnomAD compares: Non-Finnish European, 0.00034%; no homozygotes.

Submission:

Labcorp Genetics (formerly Invitae), Labcorp
Classification: Uncertain significance. Last evaluated: 2022-09-17. Review status: criteria provided, single submitter. Criteria: Invitae Variant Classification Sherloc (09022015). Collection method: clinical testing. Allele origin: germline.
Comment: In summary, the available evidence is currently insufficient to determine the role of this variant in disease. Therefore, it has been classified as a Variant of Uncertain Significance. Algorithms developed to predict the effect of missense changes on protein structure and function (SIFT, PolyPhen-2, Align-GVGD) all suggest that this variant is likely to be tolerated. This variant has not been reported in the literature in individuals affected with CACNA1D-related conditions. This variant is not present in population databases (gnomAD no frequency). This sequence change replaces histidine, which is basic and polar, with proline, which is neutral and non-polar, at codon 1806 of the CACNA1D protein (p.His1806Pro).

NM_001128840.3(CACNA1D):c.5357A>C (p.His1786Pro)

Gene: CACNA1D (calcium voltage-gated channel subunit alpha1 D; plus strand). Cytogenetic location: 3p21.1.
Variant type: single nucleotide variant.
Coding change: c.5357A>C on transcript NM_001128840.3 (MANE Select); coding-DNA position 5357, A replaced by C.
Protein change: p.His1786Pro; replaces histidine 1786 with proline.
Molecular consequence: missense variant.
Genome position (GRCh38, 1-based): chr3:53,801,374, A>C. VCF-style: chr3-53801374-A-C. GRCh37 (hg19) VCF-style: chr3-53835401-A-C.
Other names: c.5312A>C, p.His1771Pro (NM_001128839.3); c.5417A>C, p.His1806Pro (NM_000720.4); short protein forms H1771P, H1786P, H1806P.
Identifiers: ClinVar variation 1934640 (VCV001934640.5), dbSNP rs2095534960, ClinGen allele CA353251660.